The following is an entry in ClinVar:

ClinVar aggregate classification (germline): Pathogenic (1 of 4 stars; one submission).

Conditions:
Developmental and epileptic encephalopathy. Identifiers: MedGen C5779964, MONDO:0100620.

Submission:

Labcorp Genetics (formerly Invitae), Labcorp
Classification: Pathogenic for Early-infantile DEE. Last evaluated: 2022-09-29. Review status: criteria provided, single submitter. Criteria: Invitae Variant Classification Sherloc (09022015). Collection method: clinical testing. Allele origin: germline.
Comment: For these reasons, this variant has been classified as Pathogenic. This variant disrupts a region of the SCN1A protein in which other variant(s) (exon 22-26 deletion) have been determined to be pathogenic (PMID: 18930999). This suggests that this is a clinically significant region of the protein, and that variants that disrupt it are likely to be disease-causing. This variant has not been reported in the literature in individuals affected with SCN1A-related conditions. This variant is a gross deletion of the genomic region encompassing exon(s) 19-26 of the SCN1A gene, which includes the termination codon. This deletion extends beyond the assayed region for this gene and therefore may encompass additional genes. While this deletion is not anticipated to lead to nonsense mediated decay, it is expected to alter mRNA translation or result in a truncated protein product.

Literature cited by the submitters: PubMed 18930999.

NC_000002.11:g.(?_166605291)_(166868812_?)del

Genes: GALNT3 (polypeptide N-acetylgalactosaminyltransferase 3; minus strand), SCN1A (sodium voltage-gated channel alpha subunit 1; minus strand), TTC21B (tetratricopeptide repeat domain 21B; minus strand). Cytogenetic location: 2q24.3.
Variant type: Deletion.
Identifiers: ClinVar variation 2423909 (VCV002423909.4).